The following is an entry in ClinVar:

ClinVar aggregate classification (germline): Pathogenic (1 of 4 stars; one submission).

Conditions:
Hereditary cancer-predisposing syndrome. Also called: Hereditary neoplastic syndrome; Tumor predisposition; Hereditary Cancer Syndrome; Neoplastic Syndromes, Hereditary. Identifiers: Orphanet 140162, MedGen C0027672, MeSH D009386, MONDO:0015356.

Submission:

Color Diagnostics, LLC DBA Color Health
Classification: Pathogenic for Hereditary cancer-predisposing syndrome. Last evaluated: 2020-05-18. Review status: criteria provided, single submitter. Criteria: ACMG Guidelines, 2015. Collection method: clinical testing. Allele origin: germline.
Comment: This variant changes 3 nucleotide in exon 4 of the BRCA2 gene, creating a frameshift and premature translation stop signal. This variant is expected to result in an absent or non-functional protein product. To our knowledge, this variant has not been reported in individuals affected with hereditary cancer in the literature. This variant has not been identified in the general population by the Genome Aggregation Database (gnomAD). Loss of BRCA2 function is a known mechanism of disease. Based on the available evidence, this variant is classified as Pathogenic.

NC_000013.11:g.32325128_32325130delinsTA

Gene: BRCA2 (BRCA2 DNA repair associated; plus strand). Cytogenetic location: 13q13.1.
Variant type: Indel.
Genome position: GRCh38 VCF-style: chr13-32325128-AAT-TA. GRCh37 (hg19) VCF-style: chr13-32899265-AAT-TA.
Other names: c.369_371delinsTA, p.Lys123fs (LRG_293t1).
Identifiers: ClinVar variation 491255 (VCV000491255.3), dbSNP rs1555280855, ClinGen allele CA658683811.